The following is an entry in ClinVar:

NM_007294.4(BRCA1):c.506A>G (p.Gln169Arg)

Gene: BRCA1 (BRCA1 DNA repair associated; minus strand). Cytogenetic location: 17q21.31.
Variant type: single nucleotide variant.
Coding change: c.506A>G on transcript NM_007294.4 (MANE Select); coding-DNA position 506, A replaced by G.
Protein change: p.Gln169Arg; replaces glutamine 169 with arginine.
Molecular consequence: missense variant. On other transcripts: intron variant (2).
Genome position (GRCh38, 1-based): chr17:43,099,816, T>C on the plus strand (A>G on the coding strand, the complement: BRCA1 is on the minus strand). VCF-style: chr17-43099816-T-C. GRCh37 (hg19) VCF-style: chr17-41251833-T-C.
Other names: c.293A>G, p.Gln98Arg (NM_001407571.1, NM_001408490.1, NM_001408508.1 and 18 more transcripts); c.506A>G, p.Gln169Arg (NM_001407581.1, NM_001407582.1, NM_001407583.1 and 96 more transcripts); c.503A>G, p.Gln168Arg (NM_001407590.1, NM_001407587.1, NM_001407591.1 and 65 more transcripts); c.428A>G, p.Gln143Arg (NM_001407653.1, NM_001407654.1, NM_001407655.1 and 12 more transcripts); c.425A>G, p.Gln142Arg (NM_001407659.1, NM_001407660.1, NM_001407661.1 and 6 more transcripts); c.365A>G, p.Gln122Arg (NM_001407692.1, NM_001407694.1, NM_001407695.1 and 61 more transcripts); c.362A>G, p.Gln121Arg (NM_001407740.1, NM_001407741.1, NM_001407742.1 and 35 more transcripts); c.296A>G, p.Gln99Arg (NM_001407879.1, NM_001407881.1, NM_001407882.1 and 37 more transcripts); and 5 more; short protein forms Q121R, Q166R, Q168R, Q169R, Q124R, Q142R, Q143R, Q41R.
Identifiers: ClinVar variation 4215087 (VCV004215087.1).

ClinVar aggregate classification (germline): Uncertain significance (1 of 4 stars; one submission).

Conditions:
Hereditary cancer-predisposing syndrome. Also called: Neoplastic Syndromes, Hereditary; Tumor predisposition; Hereditary Cancer Syndrome; Hereditary neoplastic syndrome. Identifiers: Orphanet 140162, MedGen C0027672, MeSH D009386, MONDO:0015356.

Submission:

Ambry Genetics
Classification: Uncertain significance for Hereditary cancer-predisposing syndrome. Last evaluated: 2025-07-29. Review status: criteria provided, single submitter. Criteria: Ambry Variant Classification Scheme 2023. Collection method: clinical testing. Allele origin: germline.
Comment: The p.Q169R variant (also known as c.506A>G), located in coding exon 6 of the BRCA1 gene, results from an A to G substitution at nucleotide position 506. The glutamine at codon 169 is replaced by arginine, an amino acid with highly similar properties. This amino acid position is well conserved in available vertebrate species; however, arginine is the reference amino acid in other vertebrate species. In addition, the in silico prediction for this alteration is inconclusive. Based on the available evidence, the clinical significance of this variant remains unclear.